The following is an entry in ClinVar:

NM_000540.3(RYR1):c.11141+6G>A

Gene: RYR1 (ryanodine receptor 1; plus strand). Cytogenetic location: 19q13.2.
Variant type: single nucleotide variant.
Coding change: c.11141+6G>A on transcript NM_000540.3 (MANE Select); 6 bases into the intron after coding-DNA position 11141, G replaced by A.
Molecular consequence: intron variant.
Genome position (GRCh38, 1-based): chr19:38,529,063, G>A. VCF-style: chr19-38529063-G-A. GRCh37 (hg19) VCF-style: chr19-39019703-G-A.
Other names: c.11126+6G>A (NM_001042723.2).
Identifiers: ClinVar variation 3072304 (VCV003072304.1), dbSNP rs1971614630, ClinGen allele CA995721210.
Genomic context (GRCh38, chr19:38,529,063, plus strand): 5'-ACCCCCTGCACCAGTTGGTCCTGCACTTCAGCCGCACTGCCCTGACGGAAAAGAGGTGAA[G>A]ACTCTTGCCAGGGCCCCAGAAATGCCCCCAAGGTCCTGGGGCCACCCCCAGCCCAGCAGC-3'

ClinVar aggregate classification (germline): Uncertain significance (1 of 4 stars; one submission).

Conditions:
Malignant hyperthermia, susceptibility to, 1 (MHS1). Also called: Anesthesia related hyperthermia; Malignant hyperpyrexia; Fulminating hyperpyrexia; Pharmacogenic myopathy; RYR1-Related Malignant Hyperthermia Susceptibility; Malignant hyperthermia suceptibility 1. Identifiers: Orphanet 423, MedGen C2930980, MONDO:0007783, OMIM 145600.

Allele frequency attached by ClinVar (database versions not stated): TOPMed below 0.00001; gnomAD 0.00001.
gnomAD v4.1: 1 of 1,613,222 alleles (0.000062%); highest among the groups gnomAD compares: African/African-American, 0.0013%; no homozygotes.

Submission:

All of Us Research Program, National Institutes of Health
Classification: Uncertain significance for Malignant hyperthermia, susceptibility to, 1. Last evaluated: 2023-07-10. Review status: criteria provided, single submitter. Criteria: ACMG Guidelines, 2015. Collection method: clinical testing. Allele origin: germline. Inheritance: Autosomal dominant inheritance. Observed: 1 variant allele, 1 heterozygote.
Comment: This variant causes a G to A nucleotide substitution at the +6 position of intron 76 of the RYR1 gene. To our knowledge, functional studies have not been reported for this variant. This variant has not been reported in individuals affected with RYR1-related disorders in the literature. This variant has not been identified in the general population by the Genome Aggregation Database (gnomAD). The available evidence is insufficient to determine the role of this variant in disease conclusively. Therefore, this variant is classified as a Variant of Uncertain Significance.

This study involves interpretation of variants in research participants for the purpose of population health screening. Participant phenotype was not available at the time of variant classification. Additional details can be found in publication PMID: 35346344, PMCID: PMC8962531